The following is an entry in ClinVar:

NM_001367624.2(ZNF469):c.9810G>T (p.Arg3270Ser)

Gene: ZNF469 (zinc finger protein 469; plus strand). Cytogenetic location: 16q24.2.
Variant type: single nucleotide variant.
Coding change: c.9810G>T on transcript NM_001367624.2 (MANE Select); coding-DNA position 9810, G replaced by T.
Protein change: p.Arg3270Ser; replaces arginine 3270 with serine.
Molecular consequence: missense variant.
Genome position (GRCh38, 1-based): chr16:88,437,280, G>T. VCF-style: chr16-88437280-G-T. GRCh37 (hg19) VCF-style: chr16-88503688-G-T.
Other names: NM_001127464.1:c.9726G>T; short protein forms R3270S.
Identifiers: ClinVar variation 3987332 (VCV003987332.1).

ClinVar aggregate classification (germline): Uncertain significance (1 of 4 stars; one submission).

Conditions:
Cardiovascular phenotype. Identifiers: MedGen CN230736.

gnomAD v4.1: 9 of 1,547,954 alleles (0.00058%); highest among the groups gnomAD compares: Non-Finnish European, 0.00079%; no homozygotes.

Submission:

Ambry Genetics
Classification: Uncertain significance for Cardiovascular phenotype. Last evaluated: 2025-04-24. Review status: criteria provided, single submitter. Criteria: Ambry Variant Classification Scheme 2023. Collection method: clinical testing. Allele origin: germline.
Comment: The p.R3242S variant (also known as c.9726G>T), located in coding exon 2 of the ZNF469 gene, results from a G to T substitution at nucleotide position 9726. The arginine at codon 3242 is replaced by serine, an amino acid with dissimilar properties. This amino acid position is conserved. In addition, this alteration is predicted to be tolerated by in silico analysis. Based on the available evidence, the clinical significance of this variant remains unclear.